The following is an entry in ClinVar:

ClinVar aggregate classification (germline): Uncertain significance (1 of 4 stars; one submission).

Conditions:
Cockayne syndrome type 1. Also called: Cockayne syndrome type I; Cockayne syndrome classical; Cockayne syndrome classic form. Identifiers: Orphanet 191, Orphanet 90321, MedGen C0751039, MONDO:0019569, OMIM 216400.
UV-sensitive syndrome 2 (UVSS2). Identifiers: Orphanet 178338, MedGen C3553298, MONDO:0013829, OMIM 614621.

gnomAD v4.1: 4 of 1,550,624 alleles (0.00026%); highest among the groups gnomAD compares: East Asian, 0.0068%; no homozygotes.

Submission:

Juno Genomics, Hangzhou Juno Genomics, Inc
Classification: Uncertain significance for UV-sensitive syndrome 2; Cockayne syndrome type 1. Review status: criteria provided, single submitter. Criteria: ACMG Guidelines, 2015. Collection method: clinical testing. Allele origin: germline.
Comment: Absent from controls (or at extremely low frequency if recessive) in Genome Aggregation Database.;Multiple lines of computational evidence support a deleterious effect on the gene or gene product.

NM_000082.4(ERCC8):c.172T>C (p.Tyr58His)

Gene: ERCC8 (ERCC excision repair 8, CSA ubiquitin ligase complex subunit; minus strand). Cytogenetic location: 5q12.1.
Variant type: single nucleotide variant.
Coding change: c.172T>C on transcript NM_000082.4 (MANE Select); coding-DNA position 172, T replaced by C.
Protein change: p.Tyr58His; replaces tyrosine 58 with histidine.
Molecular consequence: missense variant. On other transcripts: 5 prime UTR variant (2).
Genome position (GRCh38, 1-based): chr5:60,928,865, A>G on the plus strand (T>C on the coding strand, the complement: ERCC8 is on the minus strand). VCF-style: chr5-60928865-A-G. GRCh37 (hg19) VCF-style: chr5-60224692-A-G.
Other names: c.-221T>C (NM_001007233.3); c.172T>C, p.Tyr58His (NM_001007234.3); c.-206T>C (NM_001290285.2); short protein forms Y58H.
Identifiers: ClinVar variation 5006909 (VCV005006909.2).